The following is an entry in ClinVar:

ClinVar aggregate classification (germline): Benign. Review status: criteria provided, multiple submitters, no conflicts (2 of 4 stars). 3 submissions from 3 submitters: Benign (3). Last evaluated 2021-06-20.

Conditions:
Tooth agenesis, selective, 3 (STHAG3). Also called: HYPODONTIA/OLIGODONTIA 3. Identifiers: Orphanet 99798, MedGen C1970291, MONDO:0011477, OMIM 604625. Disease mechanism: loss of function.

Allele frequency attached by ClinVar (database versions not stated): gnomAD exomes 0.00377; gnomAD 0.02679 and 0.02868; TOPMed 0.03011; 1000 Genomes Project 0.03095; 1000 Genomes Project 30x 0.03139.
gnomAD v4.1: 5,941 of 628,672 alleles (0.95%); highest among the groups gnomAD compares: African/African-American, 9%; 230 homozygotes.

Submissions (3):

GeneDx
Classification: Benign. Last evaluated: 2021-06-20. Review status: criteria provided, single submitter. Criteria: GeneDx Variant Classification Process June 2021. Collection method: clinical testing. Allele origin: germline. Affected: yes.

Illumina Laboratory Services, Illumina
Classification: Benign for Tooth agenesis, selective, 3. Last evaluated: 2018-01-13. Review status: criteria provided, single submitter. Criteria: ICSL Variant Classification Criteria 13 December 2019. Collection method: clinical testing. Allele origin: germline.
Comment: This variant was observed in the ICSL laboratory as part of a predisposition screen in an ostensibly healthy population. It had not been previously curated by ICSL or reported in the Human Gene Mutation Database (HGMD: prior to June 1st, 2018), and was therefore a candidate for classification through an automated scoring system. Utilizing variant allele frequency, disease prevalence and penetrance estimates, and inheritance mode, an automated score was calculated to assess if this variant is too frequent to cause the disease. Based on the score and internal cut-off values, a variant classified as benign is not then subjected to further curation. The score for this variant resulted in a classification of benign for this disease.

Breakthrough Genomics
Classification: Benign. Review status: criteria provided, single submitter. Criteria: ACMG Guidelines, 2015. Collection method: not provided. Allele origin: germline. Inheritance: Autosomal dominant inheritance. Affected: yes.

NM_001372076.1(PAX9):c.*206T>C

Gene: PAX9 (paired box 9; plus strand). Cytogenetic location: 14q13.3.
Variant type: single nucleotide variant.
Coding change: c.*206T>C on transcript NM_001372076.1 (MANE Select); 206 bases downstream of the stop codon, T replaced by C.
Molecular consequence: 3 prime UTR variant.
Genome position (GRCh38, 1-based): chr14:36,676,658, T>C. VCF-style: chr14-36676658-T-C. GRCh37 (hg19) VCF-style: chr14-37145863-T-C.
Other names: c.*206T>C (NM_006194.4).
Identifiers: ClinVar variation 313173 (VCV000313173.9), dbSNP rs17104962, ClinGen allele CA10640168.